The following is an entry in ClinVar:

ClinVar aggregate classification (germline): Uncertain significance (1 of 4 stars; one submission).

Conditions:
Hypertrophic cardiomyopathy. Also called: HYPERTROPHIC MYOCARDIOPATHY. Identifiers: Orphanet 217569, MedGen C0007194, MeSH D002312, MONDO:0005045, HP:0001639.

Submission:

Labcorp Genetics (formerly Invitae), Labcorp
Classification: Uncertain significance for Hypertrophic cardiomyopathy. Last evaluated: 2023-03-01. Review status: criteria provided, single submitter. Criteria: Invitae Variant Classification Sherloc (09022015). Collection method: clinical testing. Allele origin: germline.
Comment: This variant is not present in population databases (gnomAD no frequency). This sequence change replaces methionine, which is neutral and non-polar, with isoleucine, which is neutral and non-polar, at codon 486 of the MYOM1 protein (p.Met486Ile). This variant has not been reported in the literature in individuals affected with MYOM1-related conditions. In summary, the available evidence is currently insufficient to determine the role of this variant in disease. Therefore, it has been classified as a Variant of Uncertain Significance. Advanced modeling of protein sequence and biophysical properties (such as structural, functional, and spatial information, amino acid conservation, physicochemical variation, residue mobility, and thermodynamic stability) performed at Invitae indicates that this missense variant is not expected to disrupt MYOM1 protein function.

NM_003803.4(MYOM1):c.1458G>A (p.Met486Ile)

Gene: MYOM1 (myomesin 1; minus strand). Cytogenetic location: 18p11.31.
Variant type: single nucleotide variant.
Coding change: c.1458G>A on transcript NM_003803.4 (MANE Select); coding-DNA position 1458, G replaced by A.
Protein change: p.Met486Ile; replaces methionine 486 with isoleucine.
Molecular consequence: missense variant.
Genome position (GRCh38, 1-based): chr18:3,164,321, C>T on the plus strand (G>A on the coding strand, the complement: MYOM1 is on the minus strand). VCF-style: chr18-3164321-C-T. GRCh37 (hg19) VCF-style: chr18-3164319-C-T.
Other names: c.1458G>A, p.Met486Ile (NM_019856.2); short protein forms M486I.
Identifiers: ClinVar variation 2841857 (VCV002841857.3), dbSNP rs2510685557, ClinGen allele CA401714839.